The following is an entry in ClinVar:

ClinVar aggregate classification (germline): Uncertain significance (1 of 4 stars; one submission).

Conditions:
Supravalvar aortic stenosis (SVAS). Also called: Supravalvar aortic stenosis, Eisenberg type. Identifiers: Orphanet 3193, MedGen C0003499, MONDO:0008504, OMIM 185500, HP:0004381.

Submission:

Labcorp Genetics (formerly Invitae), Labcorp
Classification: Uncertain significance for Supravalvar aortic stenosis. Last evaluated: 2023-11-11. Review status: criteria provided, single submitter. Criteria: Invitae Variant Classification Sherloc (09022015). Collection method: clinical testing. Allele origin: germline.
Comment: This variant, c.1735_1761del, results in the deletion of 9 amino acid(s) of the ELN protein (p.Ile579_Gly587del), but otherwise preserves the integrity of the reading frame. This variant is not present in population databases (gnomAD no frequency). This variant has not been reported in the literature in individuals affected with ELN-related conditions. Experimental studies and prediction algorithms are not available or were not evaluated, and the functional significance of this variant is currently unknown. In summary, the available evidence is currently insufficient to determine the role of this variant in disease. Therefore, it has been classified as a Variant of Uncertain Significance.

NM_000501.4(ELN):c.1648_1674del (p.Ile550_Gly558del)

Genes: ELN-AS1 (ELN antisense RNA 1; minus strand), ELN (elastin; plus strand). Cytogenetic location: 7q11.23.
Variant type: Deletion.
Coding change: c.1648_1674del on transcript NM_000501.4 (MANE Select); coding-DNA positions 1648 to 1674, 27 bases deleted (ATCCCTGGACTTGGAGTTGGTGTCGGC).
Protein change: p.Ile550_Gly558del.
Molecular consequence: inframe deletion.
Genome position (GRCh38, 1-based): chr7:74,060,402-74,060,428, ATCCCTGGACTTGGAGTTGGTGTCGGC deleted; deleting any 27 consecutive bases within chr7:74,060,399-74,060,428 gives the same sequence; the c. name uses the placement nearest the transcript's 3' end. VCF-style (leftmost placement, unchanged base first): chr7-74060398-TGGCATCCCTGGACTTGGAGTTGGTGTC-T. GRCh37 (hg19) VCF-style: chr7-73474728-TGGCATCCCTGGACTTGGAGTTGGTGTC-T.
Other names: c.1561_1587del, p.Ile521_Gly529del (NM_001081752.3); c.1606_1632del, p.Ile536_Gly544del (NM_001081753.3); c.1663_1689del, p.Ile555_Gly563del (NM_001081754.3); c.1591_1617del, p.Ile531_Gly539del (NM_001081755.3); c.1648_1674del, p.Ile550_Gly558del (NM_001278912.2); c.1405_1431del, p.Ile469_Gly477del (NM_001278913.2); c.1576_1602del, p.Ile526_Gly534del (NM_001278914.2); c.1666_1692del, p.Ile556_Gly564del (NM_001278915.2); and 4 more.
Identifiers: ClinVar variation 2958782 (VCV002958782.3), dbSNP rs2486317638, ClinGen allele CA2683271451.